The following is an entry in ClinVar:

ClinVar aggregate classification (germline): Uncertain significance (1 of 4 stars; one submission).

Allele frequency attached by ClinVar (database versions not stated): gnomAD 0.00001; gnomAD exomes 0.00001.
gnomAD v4.1: 20 of 1,551,554 alleles (0.0013%); highest among the groups gnomAD compares: South Asian, 0.0036%; no homozygotes.

Submission:

Labcorp Genetics (formerly Invitae), Labcorp
Classification: Uncertain significance. Last evaluated: 2024-12-07. Review status: criteria provided, single submitter. Criteria: Invitae Variant Classification Sherloc (09022015). Collection method: clinical testing. Allele origin: germline.
Comment: This sequence change replaces arginine, which is basic and polar, with cysteine, which is neutral and slightly polar, at codon 2782 of the UNC80 protein (p.Arg2782Cys). This variant is present in population databases (no rsID available, gnomAD 0.004%). This variant has not been reported in the literature in individuals affected with UNC80-related conditions. ClinVar contains an entry for this variant (Variation ID: 1346766). Invitae Evidence Modeling of protein sequence and biophysical properties (such as structural, functional, and spatial information, amino acid conservation, physicochemical variation, residue mobility, and thermodynamic stability) indicates that this missense variant is not expected to disrupt UNC80 protein function with a negative predictive value of 80%. In summary, the available evidence is currently insufficient to determine the role of this variant in disease. Therefore, it has been classified as a Variant of Uncertain Significance.

NM_001371986.1(UNC80):c.8542C>T (p.Arg2848Cys)

Gene: UNC80 (unc-80 subunit of NALCN channel complex; plus strand). Cytogenetic location: 2q34.
Variant type: single nucleotide variant.
Coding change: c.8542C>T on transcript NM_001371986.1 (MANE Select); coding-DNA position 8542, C replaced by T.
Protein change: p.Arg2848Cys; replaces arginine 2848 with cysteine.
Molecular consequence: missense variant.
Genome position (GRCh38, 1-based): chr2:209,973,225, C>T. VCF-style: chr2-209973225-C-T. GRCh37 (hg19) VCF-style: chr2-210837949-C-T.
Other names: c.8344C>T, p.Arg2782Cys (NM_032504.2); c.8329C>T, p.Arg2777Cys (NM_182587.4); short protein forms R2777C, R2848C, R2782C.
Identifiers: ClinVar variation 1346766 (VCV001346766.5), dbSNP rs1171092863, ClinGen allele CA350413457.
Genomic context (GRCh38, chr2:209,973,225, plus strand): 5'-TTCATGTTAGAGAGCTCCCCAGCCCACTGCTCCACCCCTGGGGATGCGGGGAAAGACTTG[C>T]GCAGGGAAGGGCTGGCTGAGTCCACCAGCCAAGCAGCATACTTGGGTTGGTACTTTCTCT-3'
Protein context (NP_001358915.1, residues 2838-2858): STPGDAGKDL[Arg2848Cys]REGLAESTSQ